The following is an entry in ClinVar:

NM_002968.3(SALL1):c.2325_2331dup (p.Ala778fs)

Gene: SALL1 (spalt like transcription factor 1; minus strand). Cytogenetic location: 16q12.1.
Variant type: Duplication.
Coding change: c.2325_2331dup on transcript NM_002968.3 (MANE Select); coding-DNA positions 2325 to 2331, 7 bases duplicated (CACGAAC; older notation c.2325_2331dupCACGAAC).
Protein change: p.Ala778fs; shifts the reading frame from alanine 778.
Molecular consequence: frameshift variant.
Genome position (GRCh38, 1-based): chr16:51,139,891-51,139,897, GTTCGTG duplicated on the plus strand (CACGAAC on the coding strand, the reverse complement: SALL1 is on the minus strand). VCF-style (leftmost placement, unchanged base first): chr16-51139890-C-CGTTCGTG. GRCh37 (hg19) VCF-style: chr16-51173801-C-CGTTCGTG.
Other names: c.2034_2040dup, p.Ala681fs (NM_001127892.2); short protein forms A681fs, A778fs.
Identifiers: ClinVar variation 2837510 (VCV002837510.3), dbSNP rs2506487275, ClinGen allele CA2739266792.

ClinVar aggregate classification (germline): Pathogenic (1 of 4 stars; one submission).

Conditions:
Townes syndrome (TBS). Also called: Townes-Brocks syndrome. Identifiers: Orphanet 857, MedGen C0265246, MeSH C536974, MONDO:0007142.

Submission:

Labcorp Genetics (formerly Invitae), Labcorp
Classification: Pathogenic for Townes syndrome. Last evaluated: 2023-02-14. Review status: criteria provided, single submitter. Criteria: Invitae Variant Classification Sherloc (09022015). Collection method: clinical testing. Allele origin: germline.
Comment: This sequence change creates a premature translational stop signal (p.Ala778Hisfs*29) in the SALL1 gene. It is expected to result in an absent or disrupted protein product. Loss-of-function variants in SALL1 are known to be pathogenic (PMID: 9973281, 12915476, 16088922, 23069192). This variant is not present in population databases (gnomAD no frequency). This variant has not been reported in the literature in individuals affected with SALL1-related conditions. For these reasons, this variant has been classified as Pathogenic.

Literature cited by the submitters: PubMed 9973281; PubMed 12915476; PubMed 16088922; PubMed 23069192.